The following is an entry in ClinVar:

ClinVar aggregate classification (germline): Uncertain significance (1 of 4 stars; one submission).

gnomAD v4.1: 8 of 1,613,974 alleles (0.0005%); highest among the groups gnomAD compares: Non-Finnish European, 0.00068%; no homozygotes.

Submission:

GeneDx
Classification: Uncertain significance. Last evaluated: 2023-11-10. Review status: criteria provided, single submitter. Criteria: GeneDx Variant Classification Process June 2021. Collection method: clinical testing. Allele origin: germline. Affected: yes.
Comment: Not observed at significant frequency in large population cohorts (gnomAD); In silico analysis supports that this missense variant does not alter protein structure/function; Has not been previously published as pathogenic or benign to our knowledge

NM_000827.4(GRIA1):c.587A>G (p.Lys196Arg)

Gene: GRIA1 (glutamate ionotropic receptor AMPA type subunit 1; plus strand). Cytogenetic location: 5q33.2.
Variant type: single nucleotide variant.
Coding change: c.587A>G on transcript NM_000827.4 (MANE Select); coding-DNA position 587, A replaced by G.
Protein change: p.Lys196Arg; replaces lysine 196 with arginine.
Molecular consequence: missense variant. On other transcripts: non-coding transcript variant (2).
Genome position (GRCh38, 1-based): chr5:153,650,456, A>G. VCF-style: chr5-153650456-A-G. GRCh37 (hg19) VCF-style: chr5-153030016-A-G.
Other names: c.587A>G, p.Lys196Arg (NM_001114183.2, NM_001364165.2); c.347A>G, p.Lys116Arg (NM_001258019.2); c.302A>G, p.Lys101Arg (NM_001258020.2); c.617A>G, p.Lys206Arg (NM_001258021.2, NM_001258022.2); c.380A>G, p.Lys127Arg (NM_001258023.1, NM_001364167.2); c.614A>G, p.Lys205Arg (NM_001364166.2); short protein forms K101R, K116R, K127R, K196R, K205R, K206R.
Identifiers: ClinVar variation 3364199 (VCV003364199.1).